The following is an entry in ClinVar:

NM_004991.4(MECOM):c.2836G>A (p.Glu946Lys)

Gene: MECOM (MDS1 and EVI1 complex locus; minus strand). Cytogenetic location: 3q26.2.
Variant type: single nucleotide variant.
Coding change: c.2836G>A on transcript NM_004991.4 (MANE Select); coding-DNA position 2836, G replaced by A.
Protein change: p.Glu946Lys; replaces glutamic acid 946 with lysine.
Molecular consequence: missense variant.
Genome position (GRCh38, 1-based): chr3:169,100,898, C>T on the plus strand (G>A on the coding strand, the complement: MECOM is on the minus strand). VCF-style: chr3-169100898-C-T. GRCh37 (hg19) VCF-style: chr3-168818686-C-T.
Other names: c.2467G>A, p.Glu823Lys (NM_001105077.4); c.2272G>A, p.Glu758Lys (NM_001105078.4, NM_001205194.2, NM_001366469.2 and 1 more transcripts); c.2248G>A, p.Glu750Lys (NM_001163999.2, NM_001366470.2); c.2245G>A, p.Glu749Lys (NM_001164000.2, NM_001366471.2, NM_001366472.2); c.2809G>A, p.Glu937Lys (NM_001366466.2); c.2275G>A, p.Glu759Lys (NM_001366467.2, NM_001366468.2); c.1837G>A, p.Glu613Lys (NM_001366473.2); c.1273G>A, p.Glu425Lys (NM_001366474.2); short protein forms E425K, E613K, E749K, E750K, E758K, E759K, E823K, E937K.
Identifiers: ClinVar variation 3602676 (VCV003602676.1).

ClinVar aggregate classification (germline): Likely pathogenic (1 of 4 stars; one submission).

Conditions:
Radioulnar synostosis with amegakaryocytic thrombocytopenia 2 (RUSAT2). Also called: RADIOULNAR SYNOSTOSIS AND AMEGAKARYOCYTIC THROMBOCYTOPENIA 2. Identifiers: Orphanet 71289, MedGen C4225221, MONDO:0014758, OMIM 616738.

Submission:

St. Jude Molecular Pathology, St. Jude Children's Research Hospital
Classification: Likely pathogenic for Radioulnar synostosis with amegakaryocytic thrombocytopenia 2. Last evaluated: 2024-07-03. Review status: criteria provided, single submitter. Criteria: St. Jude Assertion Criteria 2020. Collection method: clinical testing. Allele origin: germline. Affected: yes.
Comment: The MECOM c.2467G>A (p.Glu823Lys) missense change is absent in gnomAD v2.1.1. The in silico tool REVEL is inconclusive about a pathogenic or benign effect of this variant on protein function, and to our knowledge, functional studies have not been performed. This variant is located in the zinc finger domain/region where other MECOM deleterious variants have been reported (PMID: 29519864; 26581901, 29146883, 29540340). In one family, this variant was found to segregate in multiple affected individuals with radioulnar synostosis, including one individual who presented with thrombocytopenia (PMID: 29519864). The variant is also known as NM_001105078.4:c.2272G>A (p.Glu758Lys). In summary, this variant meets criteria to be classified as likely pathogenic.